The following is an entry in ClinVar:

NM_000392.5(ABCC2):c.4546G>A (p.Gly1516Ser)

Gene: ABCC2 (ATP binding cassette subfamily C member 2; plus strand). Cytogenetic location: 10q24.2.
Variant type: single nucleotide variant.
Coding change: c.4546G>A on transcript NM_000392.5 (MANE Select); coding-DNA position 4546, G replaced by A.
Protein change: p.Gly1516Ser; replaces glycine 1516 with serine.
Molecular consequence: missense variant.
Genome position (GRCh38, 1-based): chr10:99,851,539, G>A. VCF-style: chr10-99851539-G-A. GRCh37 (hg19) VCF-style: chr10-101611296-G-A.
Other names: c.4546G>A, p.Gly1516Ser (LRG_1208t1); c.4546G>A (NM_000392.4, NM_000392.3); short protein forms G1516S.
Identifiers: ClinVar variation 597270 (VCV000597270.7), dbSNP rs186295082, ClinGen allele CA5644186.
Genomic context (GRCh38, chr10:99,851,539, plus strand): 5'-TATTTCTTTCTTCCTTGTTTCAGGGTAATGGTCCTAGACAACGGGAAGATTATAGAGTGC[G>A]GCAGCCCTGAAGAACTGCTACAAATCCCTGGACCCTTTTACTTTATGGCTAAGGAAGCTG-3'
Protein context (NP_000383.2, residues 1506-1526): VLDNGKIIEC[Gly1516Ser]SPEELLQIPG

ClinVar aggregate classification (germline): Uncertain significance. Review status: criteria provided, multiple submitters, no conflicts (2 of 4 stars). 3 submissions from 3 submitters: Uncertain significance (3). Last evaluated 2025-11-19.

Conditions:
Inborn genetic diseases. Identifiers: MedGen C0950123, MeSH D030342.
ABCC2-related disorder. Also called: ABCC2-related condition.

Allele frequency attached by ClinVar (database versions not stated): gnomAD 0.00005 and 0.00007; TOPMed 0.00003; gnomAD exomes 0.00006 and 0.00008; ExAC 0.00007; ESP Exome Variant Server 0.00015; 1000 Genomes Project 0.00060; 1000 Genomes Project 30x 0.00062.
gnomAD v4.1: 104 of 1,614,038 alleles (0.0064%); highest among the groups gnomAD compares: East Asian, 0.016%; no homozygotes.

Submissions (3):

PreventionGenetics, part of Exact Sciences
Classification: Uncertain significance for ABCC2-related condition. Last evaluated: 2025-11-19. Review status: criteria provided, single submitter. Criteria: ACMG Guidelines, 2015. Collection method: clinical testing. Allele origin: germline.
Comment: The ABCC2 c.4546G>A variant is predicted to result in the amino acid substitution p.Gly1516Ser. To our knowledge, this variant has not been reported in the literature. This variant is reported in 0.035% of alleles in individuals of East Asian descent in gnomAD. At this time, the clinical significance of this variant is uncertain due to the absence of conclusive functional and genetic evidence.

Ambry Genetics
Classification: Uncertain significance for Inborn genetic diseases. Last evaluated: 2025-07-15. Review status: criteria provided, single submitter. Criteria: Ambry Variant Classification Scheme 2023. Collection method: clinical testing. Allele origin: germline.

Eurofins Ntd Llc (ga)
Classification: Uncertain significance. Last evaluated: 2018-05-17. Review status: criteria provided, single submitter. Criteria: EGL ClinVar v180209 classification definitions. Collection method: clinical testing. Allele origin: germline. Observed: 1 variant allele, 1 heterozygote.